The following is an entry in ClinVar:

NM_002519.3(NPAT):c.2761G>A (p.Ala921Thr)

Gene: NPAT (nuclear protein, coactivator of histone transcription; minus strand). Cytogenetic location: 11q22.3.
Variant type: single nucleotide variant.
Coding change: c.2761G>A on transcript NM_002519.3 (MANE Select); coding-DNA position 2761, G replaced by A.
Protein change: p.Ala921Thr; replaces alanine 921 with threonine.
Molecular consequence: missense variant.
Genome position (GRCh38, 1-based): chr11:108,172,223, C>T on the plus strand (G>A on the coding strand, the complement: NPAT is on the minus strand). VCF-style: chr11-108172223-C-T. GRCh37 (hg19) VCF-style: chr11-108042950-C-T.
Other names: c.2761G>A, p.Ala921Thr (NM_001321307.1); short protein forms A921T.
Identifiers: ClinVar variation 3222554 (VCV003222554.1), dbSNP rs1481251194, ClinGen allele CA382512293.
Genomic context (GRCh38, chr11:108,172,223, plus strand): 5'-CAGAGAAACAAATTTCAATTATGTTATTAAAGTTACCTTGTGAAAAGTTTGGTGACACAG[C>T]TTGGTTGACAGCAAATACACTGTTTGACCTTGGTGGTGTCTGTAACTGAGGTGGTAGAGG-3'
Protein context (NP_002510.2, residues 911-931): RSNSVFAVNQ[Ala921Thr]VSPNFSQGSA

ClinVar aggregate classification (germline): Uncertain significance (1 of 4 stars; one submission).

Allele frequency attached by ClinVar (database versions not stated): gnomAD exomes below 0.00001.
gnomAD v4.1: 3 of 1,614,004 alleles (0.00019%); highest among the groups gnomAD compares: Non-Finnish European, 0.00025%; no homozygotes.

Submission:

Ambry Genetics
Classification: Uncertain significance. Last evaluated: 2023-10-10. Review status: criteria provided, single submitter. Criteria: Ambry Variant Classification Scheme 2023. Collection method: clinical testing. Allele origin: germline.
Comment: The p.A921T variant (also known as c.2761G>A), located in coding exon 13 of the NPAT gene, results from a G to A substitution at nucleotide position 2761. The alanine at codon 921 is replaced by threonine, an amino acid with similar properties. This amino acid position is conserved. In addition, this alteration is predicted to be tolerated by in silico analysis. Since supporting evidence is limited at this time, the clinical significance of this alteration remains unclear.